The following is an entry in ClinVar:

NM_000747.3(CHRNB1):c.938T>C (p.Met313Thr)

Gene: CHRNB1 (cholinergic receptor nicotinic beta 1 subunit; plus strand). Cytogenetic location: 17p13.1.
Variant type: single nucleotide variant.
Coding change: c.938T>C on transcript NM_000747.3 (MANE Select); coding-DNA position 938, T replaced by C.
Protein change: p.Met313Thr; replaces methionine 313 with threonine.
Molecular consequence: missense variant.
Genome position (GRCh38, 1-based): chr17:7,454,414, T>C. VCF-style: chr17-7454414-T-C. GRCh37 (hg19) VCF-style: chr17-7357733-T-C.
Other names: c.938T>C (NM_000747.2); short protein forms M313T.
Identifiers: ClinVar variation 1417428 (VCV001417428.7), dbSNP rs375505960, ClinGen allele CA8347919.

ClinVar aggregate classification (germline): Uncertain significance. Review status: criteria provided, multiple submitters, no conflicts (2 of 4 stars). 2 submissions from 2 submitters: Uncertain significance (2). Last evaluated 2024-10-30.

Conditions:
Congenital myasthenic syndrome 2A. Also called: Myasthenic syndrome, congenital, 2a, slow-channel. Identifiers: Orphanet 590, MedGen C4225374, MONDO:0014581, OMIM 616313.

Allele frequency attached by ClinVar (database versions not stated): gnomAD 0.00001; ExAC 0.00004; gnomAD exomes 0.00005; ESP Exome Variant Server 0.00008.

Submissions (2):

Labcorp Genetics (formerly Invitae), Labcorp
Classification: Uncertain significance for Congenital myasthenic syndrome 2A. Last evaluated: 2024-10-30. Review status: criteria provided, single submitter. Criteria: Invitae Variant Classification Sherloc (09022015). Collection method: clinical testing. Allele origin: germline.
Comment: This sequence change replaces methionine, which is neutral and non-polar, with threonine, which is neutral and polar, at codon 313 of the CHRNB1 protein (p.Met313Thr). This variant is present in population databases (rs375505960, gnomAD 0.02%). This variant has not been reported in the literature in individuals affected with CHRNB1-related conditions. ClinVar contains an entry for this variant (Variation ID: 1417428). Invitae Evidence Modeling of protein sequence and biophysical properties (such as structural, functional, and spatial information, amino acid conservation, physicochemical variation, residue mobility, and thermodynamic stability) indicates that this missense variant is not expected to disrupt CHRNB1 protein function with a negative predictive value of 80%. In summary, the available evidence is currently insufficient to determine the role of this variant in disease. Therefore, it has been classified as a Variant of Uncertain Significance.

Kariminejad - Najmabadi Pathology & Genetics Center
Classification: Uncertain significance. Last evaluated: 2018-06-12. Review status: criteria provided, single submitter. Criteria: ACMG Guidelines, 2015. Collection method: clinical testing. Allele origin: germline. Inheritance: Autosomal recessive inheritance. Affected: yes.
Comment: PM1 PM2